The following is an entry in ClinVar:

ClinVar aggregate classification (germline): Uncertain significance (1 of 4 stars; one submission).

Submission:

Labcorp Genetics (formerly Invitae), Labcorp
Classification: Uncertain significance. Last evaluated: 2022-05-24. Review status: criteria provided, single submitter. Criteria: Invitae Variant Classification Sherloc (09022015). Collection method: clinical testing. Allele origin: germline.
Comment: In summary, the available evidence is currently insufficient to determine the role of this variant in disease. Therefore, it has been classified as a Variant of Uncertain Significance. Experimental studies and prediction algorithms are not available or were not evaluated, and the functional significance of this variant is currently unknown. This variant has not been reported in the literature in individuals affected with GPSM2-related conditions. This variant is present in population databases (no rsID available, gnomAD 0.0009%). This sequence change creates a premature translational stop signal (p.Asp659Leufs*5) in the GPSM2 gene. While this is not anticipated to result in nonsense mediated decay, it is expected to disrupt the last 26 amino acid(s) of the GPSM2 protein.

NM_013296.5(GPSM2):c.1972_1973dup (p.Asp659fs)

Genes: CLCC1 (chloride channel CLIC like 1; minus strand), GPSM2 (G protein signaling modulator 2; plus strand). Cytogenetic location: 1p13.3.
Variant type: Microsatellite.
Coding change: c.1972_1973dup on transcript NM_013296.5 (MANE Select); coding-DNA positions 1972 to 1973, 2 bases duplicated (AC; older notation c.1972_1973dupAC).
Protein change: p.Asp659fs; shifts the reading frame from aspartic acid 659.
Molecular consequence: frameshift variant. On other transcripts: 3 prime UTR variant (17), non-coding transcript variant (1).
Genome position (GRCh38, 1-based): chr1:108,929,857-108,929,858, AC duplicated; duplicating any 2 consecutive bases within chr1:108,929,855-108,929,858 gives the same sequence; the c. name uses the placement nearest the transcript's 3' end. VCF-style (leftmost placement, unchanged base first): chr1-108929854-G-GAC. GRCh37 (hg19) VCF-style: chr1-109472476-G-GAC.
Other names: c.*2689GT[3] (NM_001048210.3, NM_001278202.2, NM_001278203.1 and 10 more transcripts); c.*2694GT[3] (NM_001377459.1, NM_001377460.1, NM_001377462.1 and 1 more transcripts); c.1972_1973dup, p.Asp659fs (NM_001321038.2, NM_001321039.3); short protein forms D659fs.
Identifiers: ClinVar variation 1930748 (VCV001930748.5), dbSNP rs1266757299, ClinGen allele CA525625138.
Genomic context (GRCh38, chr1:108,929,854, plus strand): 5'-CGGTCCCAGGGAAAGAGAATGGATGAACAGAGAGTTCTTTTACAAAGAGATCAAAACAGA[G>GAC]ACACTGACTTTGGGCTAAAGGACTTTTTGCAAAATAATGCTTTGTTGGAGTTTAAAAATT-3'